The following is an entry in ClinVar:

ClinVar aggregate classification (germline): Likely benign (0 of 4 stars; one submission).

Conditions:
LSS-related disorder. Also called: LSS-related condition.

Allele frequency attached by ClinVar (database versions not stated): ExAC 0.00006; gnomAD 0.00007; gnomAD exomes 0.00008; ESP Exome Variant Server 0.00015.
gnomAD v4.1: 132 of 1,612,868 alleles (0.0082%); highest among the groups gnomAD compares: Non-Finnish European, 0.01%; no homozygotes.

Submission:

PreventionGenetics, part of Exact Sciences
Classification: Likely benign for LSS-related condition. Last evaluated: 2019-06-19. Review status: no assertion criteria provided. Collection method: clinical testing. Allele origin: germline.
Comment: This variant is classified as likely benign based on ACMG/AMP sequence variant interpretation guidelines (Richards et al. 2015 PMID: 25741868, with internal and published modifications).

NM_002340.6(LSS):c.1988+9G>A

Gene: LSS (lanosterol synthase; minus strand). Cytogenetic location: 21q22.3.
Variant type: single nucleotide variant.
Coding change: c.1988+9G>A on transcript NM_002340.6 (MANE Select); 9 bases into the intron after coding-DNA position 1988, G replaced by A.
Molecular consequence: intron variant.
Genome position (GRCh38, 1-based): chr21:46,194,482, C>T on the plus strand (G>A on the coding strand, the complement: LSS is on the minus strand). VCF-style: chr21-46194482-C-T. GRCh37 (hg19) VCF-style: chr21-47614396-C-T.
Other names: c.1955+9G>A (NM_001145436.2); c.1988+9G>A (NM_001001438.3); c.1748+9G>A (NM_001145437.2).
Identifiers: ClinVar variation 3033449 (VCV003033449.2), dbSNP rs372251190, ClinGen allele CA10074786.